The following is an entry in ClinVar:

NM_145239.3(PRRT2):c.823T>C (p.Ser275Pro)

Genes: MVP-DT (MVP divergent transcript; minus strand), PRRT2 (proline rich transmembrane protein 2; plus strand). Cytogenetic location: 16p11.2.
Variant type: single nucleotide variant.
Coding change: c.823T>C on transcript NM_145239.3 (MANE Select); coding-DNA position 823, T replaced by C.
Protein change: p.Ser275Pro; replaces serine 275 with proline.
Molecular consequence: missense variant.
Genome position (GRCh38, 1-based): chr16:29,813,877, T>C. VCF-style: chr16-29813877-T-C. GRCh37 (hg19) VCF-style: chr16-29825198-T-C.
Other names: c.823T>C, p.Ser275Pro (NM_001256442.2, NM_001256443.2); short protein forms S275P.
Identifiers: ClinVar variation 418426 (VCV000418426.3), dbSNP rs1064793238, ClinGen allele CA16620190.

ClinVar aggregate classification (germline): Likely pathogenic (1 of 4 stars; one submission).

Allele frequency attached by ClinVar (database versions not stated): gnomAD exomes below 0.00001.

Submission:

GeneDx
Classification: Likely pathogenic. Last evaluated: 2015-02-10. Review status: criteria provided, single submitter. Criteria: GeneDx Variant Classification (06012015). Collection method: clinical testing. Allele origin: germline. Affected: yes.
Comment: A S275P variant that is likely pathogenic has been identified in the PRRT2 gene. The S275P variant has not been published as a pathogenic variant, nor has it been reported as a benign polymorphism to our knowledge; however, a different amino acid substitution at the same position (S275F) has been previously reported in a family with paroxsysmal kinesigenic dyskinesia (PKD) (van Vliet et al., 2012). S275P was not observed in approximately 6,500 individuals of European and African American ancestry in an external variant database, indicating it is not a common benign variant in these populations. The S275P variant is a non-conservative amino acid substitution, which is likely to impact secondary protein structure as these residues differ in polarity, charge, size and/or other properties. This substitution occurs at a position that is conserved through mammals, and in silico analysis predicts this variant is probably damaging to the protein structure/function. Therefore, this is a strong candidate for a pathogenic variant, however the possibility that it is a benign variant cannot be excluded.